The following is an entry in ClinVar:

NM_000138.5(FBN1):c.7094G>A (p.Cys2365Tyr)

Gene: FBN1 (fibrillin 1; minus strand). Cytogenetic location: 15q21.1.
Variant type: single nucleotide variant.
Coding change: c.7094G>A on transcript NM_000138.5 (MANE Select); coding-DNA position 7094, G replaced by A.
Protein change: p.Cys2365Tyr; replaces cysteine 2365 with tyrosine.
Molecular consequence: missense variant.
Genome position (GRCh38, 1-based): chr15:48,427,677, C>T on the plus strand (G>A on the coding strand, the complement: FBN1 is on the minus strand). VCF-style: chr15-48427677-C-T. GRCh37 (hg19) VCF-style: chr15-48719874-C-T.
Other names: short protein forms C2365Y.
Identifiers: ClinVar variation 42419 (VCV000042419.4), dbSNP rs397515845, ClinGen allele CA017000.

ClinVar aggregate classification (germline): Likely pathogenic. Review status: criteria provided, single submitter (1 of 4 stars). 2 submissions from 2 submitters: Likely pathogenic (1). 1 of the submissions does not count toward it. Last evaluated 2017-11-22.

Conditions:
Marfan syndrome (MFS). Also called: FBN1-Related Marfan Syndrome; Marfan syndrome, classic; MARFAN SYNDROME, TYPE I; Marfan syndrome type 1; Marfan's syndrome. Identifiers: Orphanet 284963, Orphanet 558, MedGen C0024796, MONDO:0007947, OMIM 154700.

Submissions (2):

Laboratory for Molecular Medicine, Mass General Brigham Personalized Medicine
Classification: Likely pathogenic for Marfan syndrome. Last evaluated: 2017-11-22. Review status: criteria provided, single submitter. Criteria: LMM Criteria. Collection method: clinical testing. Allele origin: germline. Inheritance: Autosomal dominant inheritance. Observed: 1 variant allele.
Comment: The p.Cys2365Tyr variant in FBN1 has now been identified in 4 individuals with c linical features of Marfan Syndrome (at least one meets Ghent criteria) and segr egated with disease in 2 affected relatives from 1 family (Comeglio 2007, Rand- Hendriksen 2007, Tjeldhorn 2006, LMM data). In addition, this variant has not be en identified in large population studies. Computational prediction tools and co nservation analysis suggest that the p.Cys2365Tyr variant may impact the protein , though this information is not predictive enough to determine pathogenicity. T his variant affects a cysteine residue; cysteine substitutions are a common find ing in individuals with Marfan syndrome (Schrijver 1999). In summary, although a dditional studies are required to fully establish its clinical significance, thi s variant is likely pathogenic. ACMG/AMP Criteria applied: PM2, PM1, PP3, PP4, P P1.

Center for Medical Genetics Ghent, University of Ghent
Classification: Likely pathogenic for Marfan syndrome. Last evaluated: 2017-11-07. Review status: no assertion criteria provided. Collection method: clinical testing. Allele origin: germline. Affected: yes. Not counted in ClinVar's aggregate classification.

Literature cited by the submitters: PubMed 17253931 (cited by Laboratory for Molecular Medicine, Mass General Brigham Personalized Medicine); PubMed 17663468 (cited by Laboratory for Molecular Medicine, Mass General Brigham Personalized Medicine); PubMed 17657824 (cited by Laboratory for Molecular Medicine, Mass General Brigham Personalized Medicine).